The following is an entry in ClinVar:

ClinVar aggregate classification (germline): Pathogenic (0 of 4 stars; one submission).

Submission:

GenMed Metabolism Lab
Classification: Pathogenic. Review status: no assertion criteria provided. Collection method: not provided. Allele origin: unknown.
Comment: Frameshift, Neonatal
ClinVar note: Converted during submission from pathogenic to Pathogenic.

NM_000531.6(OTC):c.330del (p.Thr112fs)

Gene: OTC (ornithine transcarbamylase; plus strand). Cytogenetic location: Xp11.4.
Variant type: Deletion.
Coding change: c.330del on transcript NM_000531.6 (MANE Select); coding-DNA position 330, one base deleted (T; older notation c.330delT).
Protein change: p.Thr112fs; shifts the reading frame from threonine 112.
Molecular consequence: frameshift variant.
Genome position (GRCh38, 1-based): chrX:38,381,373, T deleted; the last of 4 consecutive T bases (chrX:38,381,370-38,381,373); deleting any one gives the same sequence. VCF-style (leftmost placement, unchanged base first): chrX-38381369-GT-G. GRCh37 (hg19) VCF-style: chrX-38240622-GT-G.
Other names: short protein forms T112fs.
Identifiers: ClinVar variation 97170 (VCV000097170.2), dbSNP rs72554353, ClinGen allele CA224558.